The following is an entry in ClinVar:

ClinVar aggregate classification (germline): Uncertain significance (1 of 4 stars; one submission).

Submission:

Ambry Genetics
Classification: Uncertain significance. Last evaluated: 2020-11-13. Review status: criteria provided, single submitter. Criteria: Ambry Variant Classification Scheme 2023. Collection method: clinical testing. Allele origin: germline.
Comment: The p.T1393S variant (also known as c.4178C>G), located in coding exon 38 of the KIF1B gene, results from a C to G substitution at nucleotide position 4178. The threonine at codon 1393 is replaced by serine, an amino acid with similar properties. This amino acid position is highly conserved in available vertebrate species. In addition, this alteration is predicted to be tolerated by in silico analysis. Since supporting evidence is limited at this time, the clinical significance of this alteration remains unclear.

NM_001365951.3(KIF1B):c.4316C>G (p.Thr1439Ser)

Gene: KIF1B (kinesin family member 1B; plus strand). Cytogenetic location: 1p36.22.
Variant type: single nucleotide variant.
Coding change: c.4316C>G on transcript NM_001365951.3 (MANE Select); coding-DNA position 4316, C replaced by G.
Protein change: p.Thr1439Ser; replaces threonine 1439 with serine.
Molecular consequence: missense variant.
Genome position (GRCh38, 1-based): chr1:10,363,294, C>G. VCF-style: chr1-10363294-C-G. GRCh37 (hg19) VCF-style: chr1-10423352-C-G.
Other names: c.4316C>G, p.Thr1439Ser (NM_001365952.1); c.4178C>G, p.Thr1393Ser (NM_015074.3); short protein forms T1393S, T1439S.
Identifiers: ClinVar variation 1738463 (VCV001738463.2), dbSNP rs754723677, ClinGen allele CA338318574.
Genomic context (GRCh38, chr1:10,363,294, plus strand): 5'-GTTTTTGTGCTTTAAGAGATTAAACAATTGTTTTATTTTCTTCAAATAGGAATCGAGTCA[C>G]TGGCATTTACGAACTCAGCTTATGCAAAATGTCAGACACAGGTAGTCCAGGTAAGCTCTT-3'
Protein context (NP_001352880.1, residues 1429-1449): YSKSPDSNRV[Thr1439Ser]GIYELSLCKM